The following continues an entry in ClinVar:

NM_001370259.2(MEN1):c.1579C>T (p.Arg527Ter)

Gene: MEN1. ClinVar aggregate classification (germline): Pathogenic/Likely pathogenic. Pathogenic (11); Likely pathogenic (1). ClinVar aggregate classification (oncogenicity): Likely oncogenic.

Submissions 10 to 14 of 14:

ARUP Laboratories, Molecular Genetics and Genomics, ARUP Laboratories
Classification: Pathogenic. Last evaluated: 2021-02-10. Review status: criteria provided, single submitter. Criteria: ARUP Molecular Germline Variant Investigation Process 2021. Collection method: clinical testing. Allele origin: germline.
Comment: The MEN1 c.1579C>T; p.Arg527Ter variant (rs104894261), also known as c.1594C>T; p.Arg532Ter in transcript NM_000244.3, is reported in the literature in multiple individuals and families affected with multiple endocrine neoplasia type 1 (Carvalho 2018, Chandrasekharappa 1997, Hasani-Ranjbar 2014, Pardi 2017, Perrier 2002, Pieterman 2012). This variant has been observed to co-segregate with disease in affected members of several families (Hasani-Ranjbar 2014, Perrier 2002). This variant is also absent from general population databases (Exome Variant Server, Genome Aggregation Database), indicating it is not a common polymorphism. This variant results in a premature termination codon in the last exon of the MEN1 gene. While this may not lead to nonsense-mediated decay, it is expected to create a truncated protein missing the last 84 amino acids. Based on available information, this variant is considered to be pathogenic. References: Carvalho RA et al. Germline mutation landscape of multiple endocrine neoplasia type 1 using full gene next-generation sequencing. Eur J Endocrinol. 2018 Dec 1;179(6):391-407. Chandrasekharappa SC et al. Positional cloning of the gene for multiple endocrine neoplasia-type 1. Science. 1997 Apr 18;276(5311):404-7. Hasani-Ranjbar S et al. Ectopic Cushing syndrome associated with thymic carcinoid tumor as the first presentation of MEN1 syndrome-report of a family with MEN1 gene mutation. Fam Cancer. 2014 Jun;13(2):267-72. Pardi E et al. Mutational and large deletion study of genes implicated in hereditary forms of primary hyperparathyroidism and correlation with clinical features. PLoS One. 2017 Oct 16;12(10):e0186485. Perrier ND et al. Genetic screening for MEN1 mutations in families presenting with familial primary hyperparathyroidism. World J Surg. 2002 Aug;26(8):907-13. Pieterman CR et al. Primary hyperparathyroidism in MEN1 patients: a cohort study with longterm follow-up on preferred surgical procedure and the relation with genotype. Ann Surg. 2012 Jun;255(6):1171-8.

GeneDx
Classification: Pathogenic. Last evaluated: 2020-09-14. Review status: criteria provided, single submitter. Criteria: GeneDx Variant Classification Process June 2021. Collection method: clinical testing. Allele origin: germline. Affected: yes.
Comment: Nonsense variant predicted to result in protein truncation in a gene for which loss-of-function is a known mechanism of disease; Not observed in large population cohorts (Lek et al., 2016); This variant is associated with the following publications: (PMID: 17555499, 22470073, 24218143, 9103196, 27846313, 15082967, 12755956, 10709111, 12016470, 11579199, 9681840, 17823710, 9709921, 29036195, 30324798, 31414909)

Neuberg Centre For Genomic Medicine, NCGM
Classification: Pathogenic for Multiple endocrine neoplasia, type 1. Review status: criteria provided, single submitter. Criteria: ACMG Guidelines, 2015. Collection method: clinical testing. Allele origin: germline. Affected: yes.
Comment: The stop gained p.R527* in MEN1 (NM_130799.2) has been reported in previously affected patients (Pardi E et al, 2017). The p.R527* variant is novel (not in any individuals) in gnomAD Exomes and is novel (not in any individuals) in 1000 Genomes. Since it is present in the last exon,it may not cause nonsense mediated decay. However since has been reported in multiple affected patients and families (Pieterman CR etal,2012; Chung YJ e 2014;Kong J et al,2016) and there are presence of downstream truncating variants (Schaaf L et al,2007), the above variant has been classfied as Pathogenic.

Genome Sciences Centre, British Columbia Cancer Agency
Classification: Likely oncogenic for Neuroendocrine tumor of pancreas. Last evaluated: 2024-11-13. Review status: no assertion criteria provided. Collection method: research. Allele origin: somatic. Affected: yes. Observed: 1 variant allele.

OMIM
Classification: Pathogenic for MULTIPLE ENDOCRINE NEOPLASIA, TYPE I. Last evaluated: 1997-04-18. Review status: no assertion criteria provided. Collection method: literature only. Allele origin: germline. Not counted in ClinVar's aggregate classification.

Literature cited by the submitters: PubMed 9671267 (cited by Women's Health and Genetics/Laboratory Corporation of America, LabCorp and Athena Diagnostics); PubMed 9215689 (cited by Women's Health and Genetics/Laboratory Corporation of America, LabCorp and Athena Diagnostics); PubMed 9463336 (cited by Women's Health and Genetics/Laboratory Corporation of America, LabCorp and Athena Diagnostics); PubMed 9103196 (cited by 7 submitters); PubMed 9683585 (cited by Women's Health and Genetics/Laboratory Corporation of America, LabCorp and Athena Diagnostics); PubMed 10090472 (cited by Women's Health and Genetics/Laboratory Corporation of America, LabCorp and Athena Diagnostics); PubMed 9709921 (cited by 5 submitters); PubMed 12112656 (cited by 3 submitters); PubMed 15635078 (cited by Women's Health and Genetics/Laboratory Corporation of America, LabCorp and Athena Diagnostics); PubMed 12016470 (cited by 3 submitters); PubMed 17555499 (cited by Women's Health and Genetics/Laboratory Corporation of America, LabCorp and Athena Diagnostics); PubMed 17823710 (cited by Women's Health and Genetics/Laboratory Corporation of America, LabCorp and Athena Diagnostics); PubMed 17623761 (cited by Women's Health and Genetics/Laboratory Corporation of America, LabCorp and Athena Diagnostics); PubMed 24218143 (cited by 4 submitters); PubMed 22470073 (cited by 3 submitters); PubMed 25309785 (cited by 4 submitters); PubMed 27846313 (cited by 3 submitters); PubMed 29036195 (cited by 4 submitters); PubMed 11578300 (cited by Labcorp Genetics (formerly Invitae), Labcorp); PubMed 15331604 (cited by 3 submitters); PubMed 16449969 (cited by Labcorp Genetics (formerly Invitae), Labcorp); PubMed 17853334 (cited by Labcorp Genetics (formerly Invitae), Labcorp and All of Us Research Program, National Institutes of Health); PubMed 30324798 (cited by Mayo Clinic Laboratories, Mayo Clinic and Athena Diagnostics); PubMed 33853118 (cited by Mayo Clinic Laboratories, Mayo Clinic); PubMed 37484956 (cited by Mayo Clinic Laboratories, Mayo Clinic); PubMed 29092957 (cited by Athena Diagnostics and All of Us Research Program, National Institutes of Health); PubMed 32761341 (cited by Athena Diagnostics and All of Us Research Program, National Institutes of Health); PubMed 30820182 (cited by Athena Diagnostics and All of Us Research Program, National Institutes of Health); PubMed 11303512 (cited by Athena Diagnostics and All of Us Research Program, National Institutes of Health); PubMed 9681840 (cited by All of Us Research Program, National Institutes of Health); PubMed 15714081 (cited by All of Us Research Program, National Institutes of Health); PubMed 31044390 (cited by All of Us Research Program, National Institutes of Health); PubMed 32430905 (cited by All of Us Research Program, National Institutes of Health); PubMed 32780883 (cited by All of Us Research Program, National Institutes of Health).